The following is an entry in ClinVar:

NM_198428.3(BBS9):c.778G>A (p.Val260Ile)

Gene: BBS9 (Bardet-Biedl syndrome 9; plus strand). Cytogenetic location: 7p14.3.
Variant type: single nucleotide variant.
Coding change: c.778G>A on transcript NM_198428.3 (MANE Select); coding-DNA position 778, G replaced by A.
Protein change: p.Val260Ile; replaces valine 260 with isoleucine.
Molecular consequence: missense variant. On other transcripts: non-coding transcript variant (3).
Genome position (GRCh38, 1-based): chr7:33,273,087, G>A. VCF-style: chr7-33273087-G-A. GRCh37 (hg19) VCF-style: chr7-33312699-G-A.
Other names: c.778G>A, p.Val260Ile (NM_001033604.2, NM_001033605.2, NM_001348036.1 and 5 more transcripts); c.412G>A, p.Val138Ile (NM_001348037.3, NM_001348044.3, NM_001348045.3 and 1 more transcripts); c.505G>A, p.Val169Ile (NM_001348038.3, NM_001348039.3); c.643G>A, p.Val215Ile (NM_001348042.3); short protein forms V215I, V169I, V138I, V260I.
Identifiers: ClinVar variation 1466235 (VCV001466235.3), dbSNP rs149093988, ClinGen allele CA156719958.

ClinVar aggregate classification (germline): Uncertain significance (1 of 4 stars; one submission).

Conditions:
Bardet-Biedl syndrome (BBS). Identifiers: Orphanet 110, MedGen C0752166, MONDO:0015229.

Allele frequency attached by ClinVar (database versions not stated): gnomAD exomes 0.00001.
gnomAD v4.1: 5 of 1,613,702 alleles (0.00031%); highest among the groups gnomAD compares: East Asian, 0.0022%; no homozygotes.

Submission:

Labcorp Genetics (formerly Invitae), Labcorp
Classification: Uncertain significance for Bardet-Biedl syndrome. Last evaluated: 2021-10-22. Review status: criteria provided, single submitter. Criteria: Invitae Variant Classification Sherloc (09022015). Collection method: clinical testing. Allele origin: germline.
Comment: This sequence change replaces valine, which is neutral and non-polar, with isoleucine, which is neutral and non-polar, at codon 260 of the BBS9 protein (p.Val260Ile). This variant is not present in population databases (gnomAD no frequency). This variant has not been reported in the literature in individuals affected with BBS9-related conditions. Algorithms developed to predict the effect of missense changes on protein structure and function output the following: SIFT: "Deleterious"; PolyPhen-2: "Benign"; Align-GVGD: "Class C25". The isoleucine amino acid residue is found in multiple mammalian species, which suggests that this missense change does not adversely affect protein function. In summary, the available evidence is currently insufficient to determine the role of this variant in disease. Therefore, it has been classified as a Variant of Uncertain Significance.